The following is an entry in ClinVar:

NM_014003.4(DHX38):c.66_72del (p.Gly23fs)

Gene: DHX38 (DEAH-box helicase 38; plus strand). Cytogenetic location: 16q22.2.
Variant type: Deletion.
Coding change: c.66_72del on transcript NM_014003.4 (MANE Select); coding-DNA positions 66 to 72, 7 bases deleted (TGGTGGT; older notation c.66_72delTGGTGGT).
Protein change: p.Gly23fs; shifts the reading frame from glycine 23.
Molecular consequence: frameshift variant.
Genome position (GRCh38, 1-based): chr16:72,096,223-72,096,229, TGGTGGT deleted; deleting any 7 consecutive bases within chr16:72,096,220-72,096,229 gives the same sequence; the c. name uses the placement nearest the transcript's 3' end. VCF-style (leftmost placement, unchanged base first): chr16-72096219-AGGTTGGT-A. GRCh37 (hg19) VCF-style: chr16-72130118-AGGTTGGT-A.
Other names: short protein forms G23fs.
Identifiers: ClinVar variation 2010244 (VCV002010244.4), dbSNP rs2507077744, ClinGen allele CA2580091967.

ClinVar aggregate classification (germline): Uncertain significance (1 of 4 stars; one submission).

Submission:

Labcorp Genetics (formerly Invitae), Labcorp
Classification: Uncertain significance. Last evaluated: 2022-06-24. Review status: criteria provided, single submitter. Criteria: Invitae Variant Classification Sherloc (09022015). Collection method: clinical testing. Allele origin: germline.
Comment: In summary, the available evidence is currently insufficient to determine the role of this variant in disease. Therefore, it has been classified as a Variant of Uncertain Significance. This variant has not been reported in the literature in individuals affected with DHX38-related conditions. This variant is not present in population databases (gnomAD no frequency). This sequence change creates a premature translational stop signal (p.Gly23Leufs*33) in the DHX38 gene. It is expected to result in an absent or disrupted protein product. However, the current clinical and genetic evidence is not sufficient to establish whether loss-of-function variants in DHX38 cause disease.